The following is an entry in ClinVar:

ClinVar aggregate classification (germline): Likely benign. Review status: criteria provided, single submitter (1 of 4 stars). 2 submissions from 2 submitters: Likely benign (1). 1 of the submissions does not count toward it. Last evaluated 2023-04-17.

Conditions:
PLXNA2-related disorder. Also called: PLXNA2-related condition.

Allele frequency attached by ClinVar (database versions not stated): ExAC 0.00001; gnomAD exomes 0.00001.
gnomAD v4.1: 3 of 1,611,206 alleles (0.00019%); highest among the groups gnomAD compares: Admixed American, 0.005%; no homozygotes.

Submissions (2):

Labcorp Genetics (formerly Invitae), Labcorp
Classification: Likely benign. Last evaluated: 2023-04-17. Review status: criteria provided, single submitter. Criteria: Invitae Variant Classification Sherloc (09022015). Collection method: clinical testing. Allele origin: germline.

PreventionGenetics, part of Exact Sciences
Classification: Likely benign for PLXNA2-related condition. Last evaluated: 2023-02-27. Review status: no assertion criteria provided. Collection method: clinical testing. Allele origin: germline. Not counted in ClinVar's aggregate classification.
Comment: This variant is classified as likely benign based on ACMG/AMP sequence variant interpretation guidelines (Richards et al. 2015 PMID: 25741868, with internal and published modifications).

NM_025179.4(PLXNA2):c.5590-6C>T

Gene: PLXNA2 (plexin A2; minus strand). Cytogenetic location: 1q32.2.
Variant type: single nucleotide variant.
Coding change: c.5590-6C>T on transcript NM_025179.4 (MANE Select); 6 bases into the intron before coding-DNA position 5590, C replaced by T.
Molecular consequence: intron variant.
Genome position (GRCh38, 1-based): chr1:208,027,344, G>A on the plus strand (C>T on the coding strand, the complement: PLXNA2 is on the minus strand). VCF-style: chr1-208027344-G-A. GRCh37 (hg19) VCF-style: chr1-208200689-G-A.
Other names: c.5590-6C>T (NM_025179.3).
Identifiers: ClinVar variation 2970533 (VCV002970533.4), dbSNP rs750030294, ClinGen allele CA1372517.
Genomic context (GRCh38, chr1:208,027,344, plus strand): 5'-TATAAGCCAGCCGCTGCCGCCGTGCCTGCTCATCCTGCTCTAGGGCCCCGATGAGCTGAG[G>A]AGCAAAAACAAAGGCAGGAAGACTTCAGGACTCAGAATAGAAGACACCATTTTCTGGAGT-3'